The following is an entry in ClinVar:

ClinVar aggregate classification (germline): Uncertain significance. Review status: criteria provided, multiple submitters, no conflicts (2 of 4 stars). 4 submissions from 4 submitters: Uncertain significance (4). Last evaluated 2026-04-11.

Conditions:
Cardiovascular phenotype. Identifiers: MedGen CN230736.
TTN-related disorder. Also called: TTN-related condition; TTN-related disease; TTN-related disorders.

Allele frequency attached by ClinVar (database versions not stated): TOPMed 0.00003; gnomAD 0.00004; gnomAD exomes 0.00004 and 0.00006; ExAC 0.00008; ESP Exome Variant Server 0.00017.
gnomAD v4.1: 91 of 1,613,604 alleles (0.0056%); highest among the groups gnomAD compares: Non-Finnish European, 0.0076%; no homozygotes.

Submissions (4):

PreventionGenetics, part of Exact Sciences
Classification: Uncertain significance for TTN-related condition. Last evaluated: 2026-04-11. Review status: criteria provided, single submitter. Criteria: ACMG Guidelines, 2015. Collection method: clinical testing. Allele origin: germline.
Comment: The TTN c.86873G>A variant is predicted to result in the amino acid substitution p.Ser28958Asn. To our knowledge, this variant has not been reported in the literature. This variant is reported in 0.0086% of alleles in individuals of European (Non-Finnish) descent in gnomAD. At this time, the clinical significance of this variant is uncertain due to the absence of conclusive functional and genetic evidence.

Mayo Clinic Laboratories, Mayo Clinic
Classification: Uncertain significance. Last evaluated: 2022-03-17. Review status: criteria provided, single submitter. Criteria: ACMG Guidelines, 2015. Collection method: clinical testing. Allele origin: germline. Observed: 1 variant allele.
Comment: PM2

ARUP Laboratories, Molecular Genetics and Genomics, ARUP Laboratories
Classification: Uncertain significance. Last evaluated: 2020-02-16. Review status: criteria provided, single submitter. Criteria: ARUP Molecular Germline Variant Investigation Process. Collection method: clinical testing. Allele origin: germline.
Comment: The TTN c.86873G>A; p.Ser28958Asn variant (rs199639729; ClinVar Variation ID: 264600) is rare in the general population (<1% allele frequency in the Genome Aggregation Database) and has not been reported in the medical literature in association with dilated cardiomyopathy (DCM) or other TTN-related disease. The clinical relevance of rare missense variants in this gene, which are identified on average once per individual sequenced in affected populations (Herman 2012), is not well understood. Yet, evidence suggests that the vast majority of such missense variants do not contribute to the clinical outcome of DCM (Begay 2015). Thus, the clinical significance of the p.Ser28958Asn variant cannot be determined with certainty. References: Begay RL et al. Role of Titin Missense Variants in Dilated Cardiomyopathy. J Am Heart Assoc. 2015 Nov 13;4(11). Herman DS et al. Truncations of titin causing dilated cardiomyopathy. N Engl J Med. 2012 Feb 16;366(7):619-28.

Ambry Genetics
Classification: Uncertain significance for Cardiovascular phenotype. Last evaluated: 2015-12-14. Review status: criteria provided, single submitter. Criteria: Ambry Variant Classification Scheme 2023. Collection method: clinical testing. Allele origin: germline.
Comment: The p.S19893N variant (also known as c.59678G>A), located in coding exon 154 of the TTN gene, results from a G to A substitution at nucleotide position 59678. The serine at codon 19893 is replaced by asparagine, an amino acid with highly similar properties. This variant was previously reported in the SNPDatabase as rs199639729. Based on data from the NHLBI Exome Sequencing Project (ESP), the A allele has an overall frequency of approximately 0.02% (2/11974) total alleles studied and 0.02% (2/8216) European American alleles. Based on data from ExAC, the A allele was reported in 9 of 119262 (0.008%) total alleles (Exome Aggregation Consortium (ExAC), Cambridge, MA (URL) [Accessed December 8, 2015]). This amino acid position is highly conserved in available vertebrate species. In addition, this alteration is predicted to be tolerated by in silico analysis. Since supporting evidence is limited at this time, the clinical significance of this variant remains unclear.

NM_001267550.2(TTN):c.86873G>A (p.Ser28958Asn)

Genes: TTN (titin; minus strand), TTN-AS1 (TTN antisense RNA 1; plus strand). Cytogenetic location: 2q31.2.
Variant type: single nucleotide variant.
Coding change: c.86873G>A on transcript NM_001267550.2 (MANE Select); coding-DNA position 86873, G replaced by A.
Protein change: p.Ser28958Asn; replaces serine 28958 with asparagine.
Molecular consequence: missense variant.
Genome position (GRCh38, 1-based): chr2:178,558,586, C>T on the plus strand (G>A on the coding strand, the complement: TTN is on the minus strand). VCF-style: chr2-178558586-C-T. GRCh37 (hg19) VCF-style: chr2-179423313-C-T.
Other names: p.Ser26390Asn; c.81950G>A, p.Ser27317Asn (NM_001256850.1); c.59678G>A, p.Ser19893Asn (NM_003319.4); c.79169G>A, p.Ser26390Asn (NM_133378.4); c.60053G>A, p.Ser20018Asn (NM_133432.3); c.60254G>A, p.Ser20085Asn (NM_133437.4); short protein forms S19893N, S28958N, S20085N, S26390N, S20018N, S27317N.
Identifiers: ClinVar variation 264600 (VCV000264600.14), dbSNP rs199639729, ClinGen allele CA1988414.